The following is an entry in ClinVar:

ClinVar aggregate classification (germline): Uncertain significance (1 of 4 stars; one submission).

Submission:

GeneDx
Classification: Uncertain significance. Last evaluated: 2025-04-25. Review status: criteria provided, single submitter. Criteria: GeneDx Variant Classification Process June 2021. Collection method: clinical testing. Allele origin: germline. Affected: yes.
Comment: Not observed at significant frequency in large population cohorts (gnomAD); In silico analysis supports that this missense variant has a deleterious effect on protein structure/function; Has not been previously published as pathogenic or benign to our knowledge

NM_007118.4(TRIO):c.1039C>A (p.Gln347Lys)

Gene: TRIO (trio Rho guanine nucleotide exchange factor; plus strand). Cytogenetic location: 5p15.2.
Variant type: single nucleotide variant.
Coding change: c.1039C>A on transcript NM_007118.4 (MANE Select); coding-DNA position 1039, C replaced by A.
Protein change: p.Gln347Lys; replaces glutamine 347 with lysine.
Molecular consequence: missense variant. On other transcripts: non-coding transcript variant (1).
Genome position (GRCh38, 1-based): chr5:14,291,214, C>A. VCF-style: chr5-14291214-C-A. GRCh37 (hg19) VCF-style: chr5-14291323-C-A.
Other names: short protein forms Q347K.
Identifiers: ClinVar variation 4527352 (VCV004527352.1).